The following is an entry in ClinVar:

NM_018418.5(SPATA7):c.103A>G (p.Thr35Ala)

Gene: SPATA7 (spermatogenesis associated 7; plus strand). Cytogenetic location: 14q31.3.
Variant type: single nucleotide variant.
Coding change: c.103A>G on transcript NM_018418.5 (MANE Select); coding-DNA position 103, A replaced by G.
Protein change: p.Thr35Ala; replaces threonine 35 with alanine.
Molecular consequence: missense variant. On other transcripts: intron variant (1).
Genome position (GRCh38, 1-based): chr14:88,393,401, A>G. VCF-style: chr14-88393401-A-G. GRCh37 (hg19) VCF-style: chr14-88859745-A-G.
Other names: c.94+1946A>G (NM_001040428.4); short protein forms T35A.
Identifiers: ClinVar variation 969174 (VCV000969174.10), dbSNP rs368604833, ClinGen allele CA7298391.
Genomic context (GRCh38, chr14:88,393,401, plus strand): 5'-CATGATTTTTATATTAGTTTTAAATATATAATGATTATGTTTTAATTTTTAGCTTTTTGC[A>G]CTGACTCCTCTTCTCTCAGACTAAGCACTCTCCAGCTGGTCAAGAATCACATGGCTGTTC-3'
Protein context (NP_060888.2, residues 25-45): HLSTKSNAFC[Thr35Ala]DSSSLRLSTL

ClinVar aggregate classification (germline): Uncertain significance. Review status: criteria provided, multiple submitters, no conflicts (2 of 4 stars). 2 submissions from 2 submitters: Uncertain significance (2). Last evaluated 2025-09-22.

Conditions:
Leber congenital amaurosis 3 (LCA3). Also called: SPATA7-Related Retinitis Pigmentosa. Identifiers: MedGen C1858677, MONDO:0011415, OMIM 604232.
Inborn genetic diseases. Identifiers: MedGen C0950123, MeSH D030342.

Allele frequency attached by ClinVar (database versions not stated): gnomAD exomes below 0.00001 and 0.00001; TOPMed below 0.00001; gnomAD 0.00001; ExAC 0.00002; ESP Exome Variant Server 0.00008.
gnomAD v4.1: 18 of 1,592,690 alleles (0.0011%); highest among the groups gnomAD compares: South Asian, 0.0046%; no homozygotes.

Submissions (2):

Ambry Genetics
Classification: Uncertain significance for Inborn genetic diseases. Last evaluated: 2025-09-22. Review status: criteria provided, single submitter. Criteria: Ambry Variant Classification Scheme 2023. Collection method: clinical testing. Allele origin: germline.

Labcorp Genetics (formerly Invitae), Labcorp
Classification: Uncertain significance for Leber congenital amaurosis 3. Last evaluated: 2024-11-05. Review status: criteria provided, single submitter. Criteria: Invitae Variant Classification Sherloc (09022015). Collection method: clinical testing. Allele origin: germline.
Comment: This sequence change replaces threonine, which is neutral and polar, with alanine, which is neutral and non-polar, at codon 35 of the SPATA7 protein (p.Thr35Ala). This variant is present in population databases (rs368604833, gnomAD 0.004%). This variant has not been reported in the literature in individuals affected with SPATA7-related conditions. ClinVar contains an entry for this variant (Variation ID: 969174). An algorithm developed to predict the effect of missense changes on protein structure and function (PolyPhen-2) suggests that this variant is likely to be disruptive. In summary, the available evidence is currently insufficient to determine the role of this variant in disease. Therefore, it has been classified as a Variant of Uncertain Significance.